The following is an entry in ClinVar:

NM_004521.3(KIF5B):c.1580C>T (p.Ser527Leu)

Gene: KIF5B (kinesin family member 5B; minus strand). Cytogenetic location: 10p11.22.
Variant type: single nucleotide variant.
Coding change: c.1580C>T on transcript NM_004521.3 (MANE Select); coding-DNA position 1580, C replaced by T.
Protein change: p.Ser527Leu; replaces serine 527 with leucine.
Molecular consequence: missense variant.
Genome position (GRCh38, 1-based): chr10:32,031,074, G>A on the plus strand (C>T on the coding strand, the complement: KIF5B is on the minus strand). VCF-style: chr10-32031074-G-A. GRCh37 (hg19) VCF-style: chr10-32320002-G-A.
Other names: short protein forms S527L.
Identifiers: ClinVar variation 2640398 (VCV002640398.25), dbSNP rs35441986, ClinGen allele CA5463093.

ClinVar aggregate classification (germline): Likely benign. Review status: criteria provided, multiple submitters, no conflicts (2 of 4 stars). 2 submissions from 2 submitters: Likely benign (2). Last evaluated 2026-05-11.

Allele frequency attached by ClinVar (database versions not stated): 1000 Genomes Project 0.00040; 1000 Genomes Project 30x 0.00047; ESP Exome Variant Server 0.00261; TOPMed 0.00278; gnomAD 0.00290; ExAC 0.00338.

Submissions (2):

Women's Health and Genetics/Laboratory Corporation of America, LabCorp
Classification: Likely benign. Last evaluated: 2026-05-11. Review status: criteria provided, single submitter. Criteria: LabCorp Variant Classification Summary - May 2015. Collection method: clinical testing. Allele origin: germline.

CeGaT Center for Human Genetics Tuebingen
Classification: Likely benign. Last evaluated: 2023-02-01. Review status: criteria provided, single submitter. Criteria: CeGaT Center For Human Genetics Tuebingen Variant Classification Criteria Version 2. Collection method: clinical testing. Allele origin: germline. Affected: yes. Observed: 1 variant allele.
Comment: KIF5B: BS2